The following is an entry in ClinVar:

NM_000531.6(OTC):c.386+9A>G

Gene: OTC (ornithine transcarbamylase; plus strand). Cytogenetic location: Xp11.4.
Variant type: single nucleotide variant.
Coding change: c.386+9A>G on transcript NM_000531.6 (MANE Select); 9 bases into the intron after coding-DNA position 386, A replaced by G.
Molecular consequence: intron variant.
Genome position (GRCh38, 1-based): chrX:38,381,438, A>G. VCF-style: chrX-38381438-A-G. GRCh37 (hg19) VCF-style: chrX-38240691-A-G.
Identifiers: ClinVar variation 2099122 (VCV002099122.4), dbSNP rs2519959319, ClinGen allele CA2580100863.

ClinVar aggregate classification (germline): Uncertain significance (1 of 4 stars; one submission).

Conditions:
Ornithine carbamoyltransferase deficiency (OTCD). Also called: ORNITHINE TRANSCARBAMYLASE DEFICIENCY; ORNITHINE TRANSCARBAMYLASE DEFICIENCY, HYPERAMMONEMIA DUE TO; OTC DEFICIENCY; Ornithine Carbamoyltransferase Deficiency Disease. Identifiers: Orphanet 664, MedGen C0268542, MONDO:0010703, OMIM 311250.

Submission:

Labcorp Genetics (formerly Invitae), Labcorp
Classification: Uncertain significance for Ornithine carbamoyltransferase deficiency. Last evaluated: 2022-08-22. Review status: criteria provided, single submitter. Criteria: Invitae Variant Classification Sherloc (09022015). Collection method: clinical testing. Allele origin: germline.
Comment: In summary, the available evidence is currently insufficient to determine the role of this variant in disease. Therefore, it has been classified as a Variant of Uncertain Significance. Algorithms developed to predict the effect of sequence changes on RNA splicing suggest that this variant may disrupt the consensus splice site. This variant has not been reported in the literature in individuals affected with OTC-related conditions. This variant is not present in population databases (gnomAD no frequency). This sequence change falls in intron 4 of the OTC gene. It does not directly change the encoded amino acid sequence of the OTC protein.